The following is an entry in ClinVar:

ClinVar aggregate classification (germline): Uncertain significance (1 of 4 stars; one submission).

Conditions:
Mitochondrial complex II deficiency, nuclear type 1. Also called: SUCCINATE CoQ REDUCTASE DEFICIENCY. Identifiers: Orphanet 3208, MedGen C5700310, MONDO:0100294, OMIM 252011.
Pheochromocytoma/paraganglioma syndrome 5. Also called: Paragangliomas 5; SDHA-Related Hereditary Paraganglioma-Pheochromocytoma Syndrome. Identifiers: Orphanet 29072, MedGen C3279992, MONDO:0013602, OMIM 614165.

Submission:

Labcorp Genetics (formerly Invitae), Labcorp
Classification: Uncertain significance for Pheochromocytoma/paraganglioma syndrome 5; Mitochondrial complex II deficiency, nuclear type 1. Last evaluated: 2024-02-15. Review status: criteria provided, single submitter. Criteria: Invitae Variant Classification Sherloc (09022015). Collection method: clinical testing. Allele origin: germline.
Comment: This sequence change falls in intron 4 of the SDHA gene. It does not directly change the encoded amino acid sequence of the SDHA protein. This variant is not present in population databases (gnomAD no frequency). This variant has not been reported in the literature in individuals affected with SDHA-related conditions. Algorithms developed to predict the effect of sequence changes on RNA splicing suggest that this variant may create or strengthen a splice site. In summary, the available evidence is currently insufficient to determine the role of this variant in disease. Therefore, it has been classified as a Variant of Uncertain Significance.

NM_004168.4(SDHA):c.456+12G>A

Gene: SDHA (succinate dehydrogenase complex flavoprotein subunit A; plus strand). Cytogenetic location: 5p15.33.
Variant type: single nucleotide variant.
Coding change: c.456+12G>A on transcript NM_004168.4 (MANE Select); 12 bases into the intron after coding-DNA position 456, G replaced by A.
Molecular consequence: intron variant.
Genome position (GRCh38, 1-based): chr5:225,574, G>A. VCF-style: chr5-225574-G-A. GRCh37 (hg19) VCF-style: chr5-225689-G-A.
Other names: c.456+12G>A (NM_001330758.2); c.313-309G>A (NM_001294332.2).
Identifiers: ClinVar variation 3754682 (VCV003754682.2).